The following is an entry in ClinVar:

NM_000146.4(FTL):c.-167C>T

Gene: FTL (ferritin light chain; plus strand). Cytogenetic location: 19q13.33.
Variant type: single nucleotide variant.
Coding change: c.-167C>T on transcript NM_000146.4 (MANE Select); 167 bases upstream of the start codon, C replaced by T.
Molecular consequence: 5 prime UTR variant.
Genome position (GRCh38, 1-based): chr19:48,965,341, C>T. VCF-style: chr19-48965341-C-T. GRCh37 (hg19) VCF-style: chr19-49468598-C-T.
Identifiers: ClinVar variation 963917 (VCV000963917.14), dbSNP rs2038438402, ClinGen allele CA1139666527.

ClinVar aggregate classification (germline): Pathogenic. Review status: criteria provided, multiple submitters, no conflicts (2 of 4 stars). 4 submissions from 4 submitters: Pathogenic (4). Last evaluated 2025-08-17.

Conditions:
Hereditary hyperferritinemia with congenital cataracts. Also called: HYPERFERRITINEMIA WITH OR WITHOUT CATARACT; Hereditary hyperferritinemia cataract syndrome; Bonneau-Beaumont syndrome. Identifiers: Orphanet 163, MedGen C1833213, MONDO:0010952, OMIM 600886.
Neuroferritinopathy (NBIA3). Also called: NEURODEGENERATION WITH BRAIN IRON ACCUMULATION 3; BASAL GANGLIA DISEASE, ADULT-ONSET. Identifiers: Orphanet 157846, MedGen C1853578, MONDO:0011638, OMIM 606159.
FTL-related disorders.

Submissions (4):

Labcorp Genetics (formerly Invitae), Labcorp
Classification: Pathogenic for Neuroferritinopathy; Hereditary hyperferritinemia with congenital cataracts. Last evaluated: 2025-08-17. Review status: criteria provided, single submitter. Criteria: Invitae Variant Classification Sherloc (09022015). Collection method: clinical testing. Allele origin: germline.
Comment: This variant occurs in a non-coding region of the FTL gene. It does not change the encoded amino acid sequence of the FTL protein. This variant is not present in population databases (gnomAD no frequency). This variant has been observed in individuals with hereditary hyperferritinemia cataract syndrome (PMID: 16900584, 19800271, 22881709, 27096259). It has also been observed to segregate with disease in related individuals. This variant is also known as +33C>U or +33C>T. ClinVar contains an entry for this variant (Variation ID: 963917). Experimental studies and prediction algorithms are not available or were not evaluated, and the functional significance of this variant is currently unknown. For these reasons, this variant has been classified as Pathogenic.

GeneDx
Classification: Pathogenic. Last evaluated: 2025-07-31. Review status: criteria provided, single submitter. Criteria: GeneDx Variant Classification Process June 2021. Collection method: clinical testing. Allele origin: germline. Affected: yes.
Comment: Published functional studies demonstrate a damaging effect of dysregulation of iron metabolism caused by disruption of the iron response element, a post-transcriptional regulatory element that blocks translation of FTL mRNA when bound by iron regulatory proteins (PMID: 19800271); No data available from control populations to assess the frequency of this variant; Also known as 33C>T; C33T; This variant is associated with the following publications: (PMID: 27096259, 31211687, 16900584, 21524769, 20617342, 22881709, 15283633, 10383191, 19800271, 15280904, 24368960, 11703332, 33221470)

MGZ Medical Genetics Center
Classification: Pathogenic for Hereditary hyperferritinemia with congenital cataracts. Last evaluated: 2022-03-15. Review status: criteria provided, single submitter. Criteria: ACMG Guidelines, 2015. Collection method: clinical testing. Allele origin: germline. Affected: yes. Observed: 1 variant allele.
Comment: ACMG criteria applied: PP1_STR, PS4_MOD, PM1, PM2_SUP, PP4

Blueprint Genetics
Classification: Pathogenic for FTL-related disorders. Last evaluated: 2018-11-29. Review status: criteria provided, single submitter. Criteria: ACMG Guidelines, 2015. Collection method: clinical testing. Allele origin: germline. Affected: yes. Observed: 1 variant allele.

Literature cited by the submitters: PubMed 16900584 (cited by Labcorp Genetics (formerly Invitae), Labcorp); PubMed 19800271 (cited by Labcorp Genetics (formerly Invitae), Labcorp); PubMed 22881709 (cited by Labcorp Genetics (formerly Invitae), Labcorp); PubMed 27096259 (cited by Labcorp Genetics (formerly Invitae), Labcorp).